The following is an entry in ClinVar:

NM_003024.3(ITSN1):c.2348G>A (p.Gly783Asp)

Gene: ITSN1 (intersectin 1; plus strand). Cytogenetic location: 21q22.11.
Variant type: single nucleotide variant.
Coding change: c.2348G>A on transcript NM_003024.3 (MANE Select); coding-DNA position 2348, G replaced by A.
Protein change: p.Gly783Asp; replaces glycine 783 with aspartic acid.
Molecular consequence: missense variant.
Genome position (GRCh38, 1-based): chr21:33,811,003, G>A. VCF-style: chr21-33811003-G-A. GRCh37 (hg19) VCF-style: chr21-35183307-G-A.
Other names: c.2348G>A, p.Gly783Asp (NM_001001132.2, NM_001331008.2); c.2333G>A, p.Gly778Asp (NM_001331009.2, NM_001331010.2, NM_001331011.2); c.2222G>A, p.Gly741Asp (NM_001331012.2); short protein forms G778D, G741D, G783D.
Identifiers: ClinVar variation 2877123 (VCV002877123.3), dbSNP rs2072871584, ClinGen allele CA410137638.

ClinVar aggregate classification (germline): Uncertain significance (1 of 4 stars; one submission).

Allele frequency attached by ClinVar (database versions not stated): TOPMed below 0.00001.

Submission:

Labcorp Genetics (formerly Invitae), Labcorp
Classification: Uncertain significance. Last evaluated: 2024-06-08. Review status: criteria provided, single submitter. Criteria: Invitae Variant Classification Sherloc (09022015). Collection method: clinical testing. Allele origin: germline.
Comment: This sequence change replaces glycine, which is neutral and non-polar, with aspartic acid, which is acidic and polar, at codon 783 of the ITSN1 protein (p.Gly783Asp). This variant is not present in population databases (gnomAD no frequency). This variant has not been reported in the literature in individuals affected with ITSN1-related conditions. An algorithm developed to predict the effect of missense changes on protein structure and function (PolyPhen-2) suggests that this variant is likely to be disruptive. In summary, the available evidence is currently insufficient to determine the role of this variant in disease. Therefore, it has been classified as a Variant of Uncertain Significance.